The following is an entry in ClinVar:

NM_004484.4(GPC3):c.1223A>G (p.Tyr408Cys)

Gene: GPC3 (glypican 3; minus strand). Cytogenetic location: Xq26.2.
Variant type: single nucleotide variant.
Coding change: c.1223A>G on transcript NM_004484.4 (MANE Select); coding-DNA position 1223, A replaced by G.
Protein change: p.Tyr408Cys; replaces tyrosine 408 with cysteine.
Molecular consequence: missense variant.
Genome position (GRCh38, 1-based): chrX:133,692,438, T>C on the plus strand (A>G on the coding strand, the complement: GPC3 is on the minus strand). VCF-style: chrX-133692438-T-C. GRCh37 (hg19) VCF-style: chrX-132826466-T-C.
Other names: c.1292A>G, p.Tyr431Cys (NM_001164617.2); c.1175A>G, p.Tyr392Cys (NM_001164618.2); c.1061A>G, p.Tyr354Cys (NM_001164619.2); short protein forms Y354C, Y392C, Y408C, Y431C.
Identifiers: ClinVar variation 4071782 (VCV004071782.1).

ClinVar aggregate classification (germline): Uncertain significance (1 of 4 stars; one submission).

Submission:

GeneDx
Classification: Uncertain significance. Last evaluated: 2025-01-24. Review status: criteria provided, single submitter. Criteria: GeneDx Variant Classification Process June 2021. Collection method: clinical testing. Allele origin: germline. Affected: yes.
Comment: Not observed at significant frequency in large population cohorts (gnomAD); In silico analysis supports that this missense variant has a deleterious effect on protein structure/function; Missense variant in a gene in which most reported pathogenic variants are truncating/loss of function; Has not been previously published as pathogenic or benign to our knowledge